The following is an entry in ClinVar:

ClinVar aggregate classification (germline): Likely benign. Review status: criteria provided, multiple submitters, no conflicts (2 of 4 stars). 2 submissions from 2 submitters: Likely benign (2). Last evaluated 2026-01-05.

Conditions:
Idiopathic generalized epilepsy. Also called: Generalised epilepsy; EIG. Identifiers: MedGen C0270850, MONDO:0005579, OMIM 600669.
Hyperaldosteronism, familial, type IV (HALD4). Also called: FH IV; ALDOSTERONISM, PRIMARY, AND HYPERTENSION. Identifiers: Orphanet 642671, MedGen C4310756, MONDO:0014875, OMIM 617027.

Allele frequency attached by ClinVar (database versions not stated): gnomAD exomes below 0.00001 and 0.00002; gnomAD 0.00001; TOPMed 0.00002.
gnomAD v4.1: 36 of 1,586,448 alleles (0.0023%); highest among the groups gnomAD compares: Non-Finnish European, 0.0026%; no homozygotes.

Submissions (2):

Labcorp Genetics (formerly Invitae), Labcorp
Classification: Likely benign for Idiopathic generalized epilepsy; Hyperaldosteronism, familial, type IV. Last evaluated: 2026-01-05. Review status: criteria provided, single submitter. Criteria: Invitae Variant Classification Sherloc (09022015). Collection method: clinical testing. Allele origin: germline.

CeGaT Center for Human Genetics Tuebingen
Classification: Likely benign. Last evaluated: 2022-07-01. Review status: criteria provided, single submitter. Criteria: CeGaT Center For Human Genetics Tuebingen Variant Classification Criteria Version 2. Collection method: clinical testing. Allele origin: germline. Affected: yes. Observed: 1 variant allele.
Comment: CACNA1H: BP4, BP7

NM_021098.3(CACNA1H):c.3915C>T (p.Phe1305=)

Gene: CACNA1H (calcium voltage-gated channel subunit alpha1 H; plus strand). Cytogenetic location: 16p13.3.
Variant type: single nucleotide variant.
Coding change: c.3915C>T on transcript NM_021098.3 (MANE Select); coding-DNA position 3915, C replaced by T.
Protein change: p.Phe1305=; no amino-acid change (phenylalanine 1305 retained).
Molecular consequence: synonymous variant.
Genome position (GRCh38, 1-based): chr16:1,210,439, C>T. VCF-style: chr16-1210439-C-T. GRCh37 (hg19) VCF-style: chr16-1260439-C-T.
Other names: c.3915C>T, p.Phe1305= (NM_001005407.2).
Identifiers: ClinVar variation 1595291 (VCV001595291.32), dbSNP rs929332183, ClinGen allele CA276666809.